The following is an entry in ClinVar:

NM_000781.3(CYP11A1):c.939C>T (p.Phe313=)

Gene: CYP11A1 (cytochrome P450 family 11 subfamily A member 1; minus strand). Cytogenetic location: 15q24.1.
Variant type: single nucleotide variant.
Coding change: c.939C>T on transcript NM_000781.3 (MANE Select); coding-DNA position 939, C replaced by T.
Protein change: p.Phe313=; no amino-acid change (phenylalanine 313 retained).
Molecular consequence: synonymous variant.
Genome position (GRCh38, 1-based): chr15:74,343,028, G>A on the plus strand (C>T on the coding strand, the complement: CYP11A1 is on the minus strand). VCF-style: chr15-74343028-G-A. GRCh37 (hg19) VCF-style: chr15-74635369-G-A.
Other names: c.465C>T, p.Phe155= (NM_001099773.2).
Identifiers: ClinVar variation 317126 (VCV000317126.39), dbSNP rs4986873, ClinGen allele CA7656432.

ClinVar aggregate classification (germline): Benign/Likely benign. Review status: criteria provided, multiple submitters, no conflicts (2 of 4 stars). 6 submissions from 6 submitters: Benign (3); Likely benign (3). Last evaluated 2026-02-04.

Conditions:
Congenital adrenal insufficiency with 46, XY sex reversal OR 46,XY disorder of sex development-adrenal insufficiency due to CYP11A1 deficiency. Also called: Congenital adrenal insuffiency with 46, XY sex reversal OR 46,XY disorder of sex development-adrenal insufficiency due to CYP11A1 deficiency; P450scc DEFICIENCY. Identifiers: Orphanet 168558, MedGen C3151055, MONDO:0013400, OMIM 613743.

Allele frequency attached by ClinVar (database versions not stated): 1000 Genomes Project 0.00479; 1000 Genomes Project 30x 0.00500; TOPMed 0.00918; ESP Exome Variant Server 0.01063; ExAC 0.01080; gnomAD 0.01086 and 0.01114; gnomAD exomes 0.01095 and 0.01501.
gnomAD v4.1: 23,256 of 1,613,090 alleles (1.4%); highest among the groups gnomAD compares: Non-Finnish European, 1.7%; 208 homozygotes.

Submissions (6):

Labcorp Genetics (formerly Invitae), Labcorp
Classification: Benign. Last evaluated: 2026-02-04. Review status: criteria provided, single submitter. Criteria: Invitae Variant Classification Sherloc (09022015). Collection method: clinical testing. Allele origin: germline.

Blueprint Genetics
Classification: Likely benign. Last evaluated: 2024-11-21. Review status: criteria provided, single submitter. Criteria: ACMG Guidelines, 2015. Collection method: clinical testing. Allele origin: germline.

CeGaT Center for Human Genetics Tuebingen
Classification: Benign. Last evaluated: 2022-11-01. Review status: criteria provided, single submitter. Criteria: CeGaT Center For Human Genetics Tuebingen Variant Classification Criteria Version 2. Collection method: clinical testing. Allele origin: germline. Affected: yes. Observed: 1 variant allele.
Comment: CYP11A1: BP4, BP7, BS1, BS2

GeneDx
Classification: Likely benign. Last evaluated: 2021-03-10. Review status: criteria provided, single submitter. Criteria: GeneDx Variant Classification Process June 2021. Collection method: clinical testing. Allele origin: germline. Affected: yes.

Illumina Laboratory Services, Illumina
Classification: Benign for Congenital adrenal insufficiency with 46, XY sex reversal OR 46,XY disorder of sex development-adrenal insufficiency due to CYP11A1 deficiency. Last evaluated: 2018-01-13. Review status: criteria provided, single submitter. Criteria: ICSL Variant Classification Criteria 13 December 2019. Collection method: clinical testing. Allele origin: germline.
Comment: This variant was observed in the ICSL laboratory as part of a predisposition screen in an ostensibly healthy population. It had not been previously curated by ICSL or reported in the Human Gene Mutation Database (HGMD: prior to June 1st, 2018), and was therefore a candidate for classification through an automated scoring system. Utilizing variant allele frequency, disease prevalence and penetrance estimates, and inheritance mode, an automated score was calculated to assess if this variant is too frequent to cause the disease. Based on the score and internal cut-off values, a variant classified as benign is not then subjected to further curation. The score for this variant resulted in a classification of benign for this disease.

Breakthrough Genomics
Classification: Likely benign. Review status: criteria provided, single submitter. Criteria: ACMG Guidelines, 2015. Collection method: not provided. Allele origin: germline. Inheritance: Unknown mechanism. Affected: yes.